The following is an entry in ClinVar:

ClinVar aggregate classification (germline): Uncertain significance (1 of 4 stars; one submission).

Conditions:
Gorlin syndrome. Also called: Basal cell nevus syndrome; Nevoid Basal Cell Carcinoma Syndrome. Identifiers: Orphanet 377, MedGen C0004779, MONDO:0007187.

Submission:

Labcorp Genetics (formerly Invitae), Labcorp
Classification: Uncertain significance for Gorlin syndrome. Last evaluated: 2022-02-21. Review status: criteria provided, single submitter. Criteria: Invitae Variant Classification Sherloc (09022015). Collection method: clinical testing. Allele origin: germline.
Comment: In summary, the available evidence is currently insufficient to determine the role of this variant in disease. Therefore, it has been classified as a Variant of Uncertain Significance. Advanced modeling of protein sequence and biophysical properties (such as structural, functional, and spatial information, amino acid conservation, physicochemical variation, residue mobility, and thermodynamic stability) performed at Invitae indicates that this missense variant is not expected to disrupt PTCH1 protein function. This variant has not been reported in the literature in individuals affected with PTCH1-related conditions. This variant is not present in population databases (gnomAD no frequency). This sequence change replaces arginine, which is basic and polar, with serine, which is neutral and polar, at codon 1423 of the PTCH1 protein (p.Arg1423Ser).

NM_000264.5(PTCH1):c.4269G>T (p.Arg1423Ser)

Gene: PTCH1 (patched 1; minus strand). Cytogenetic location: 9q22.32.
Variant type: single nucleotide variant.
Coding change: c.4269G>T on transcript NM_000264.5 (MANE Select); coding-DNA position 4269, G replaced by T.
Protein change: p.Arg1423Ser; replaces arginine 1423 with serine.
Molecular consequence: missense variant. On other transcripts: non-coding transcript variant (1).
Genome position (GRCh38, 1-based): chr9:95,446,987, C>A on the plus strand (G>T on the coding strand, the complement: PTCH1 is on the minus strand). VCF-style: chr9-95446987-C-A. GRCh37 (hg19) VCF-style: chr9-98209269-C-A.
Other names: c.4071G>T, p.Arg1357Ser (NM_001083602.3); c.4266G>T, p.Arg1422Ser (NM_001083603.3); c.3816G>T, p.Arg1272Ser (NM_001083604.3, NM_001083605.3, NM_001083606.3 and 1 more transcripts); c.4113G>T, p.Arg1371Ser (NM_001354918.2); short protein forms R1423S, R1357S, R1272S, R1371S, R1422S.
Identifiers: ClinVar variation 2101144 (VCV002101144.4), dbSNP rs2537994848, ClinGen allele CA374109990.